The following is an entry in ClinVar:

ClinVar aggregate classification (germline): Uncertain significance (1 of 4 stars; one submission).

Allele frequency attached by ClinVar (database versions not stated): gnomAD exomes below 0.00001.
gnomAD v4.1: 1 of 1,612,822 alleles (0.000062%); highest among the groups gnomAD compares: Admixed American, 0.0017%; no homozygotes.

Submission:

Labcorp Genetics (formerly Invitae), Labcorp
Classification: Uncertain significance. Last evaluated: 2026-01-06. Review status: criteria provided, single submitter. Criteria: Invitae Variant Classification Sherloc (09022015). Collection method: clinical testing. Allele origin: germline.
Comment: This sequence change replaces leucine, which is neutral and non-polar, with phenylalanine, which is neutral and non-polar, at codon 310 of the DUOX2 protein (p.Leu310Phe). This variant is not present in population databases (gnomAD no frequency). This variant has not been reported in the literature in individuals affected with DUOX2-related conditions. ClinVar contains an entry for this variant (Variation ID: 1523331). Invitae Evidence Modeling of protein sequence and biophysical properties (such as structural, functional, and spatial information, amino acid conservation, physicochemical variation, residue mobility, and thermodynamic stability) indicates that this missense variant is not expected to disrupt DUOX2 protein function with a negative predictive value of 80%. In summary, the available evidence is currently insufficient to determine the role of this variant in disease. Therefore, it has been classified as a Variant of Uncertain Significance.

NM_001363711.2(DUOX2):c.928C>T (p.Leu310Phe)

Gene: DUOX2 (dual oxidase 2; minus strand). Cytogenetic location: 15q21.1.
Variant type: single nucleotide variant.
Coding change: c.928C>T on transcript NM_001363711.2 (MANE Select); coding-DNA position 928, C replaced by T.
Protein change: p.Leu310Phe; replaces leucine 310 with phenylalanine.
Molecular consequence: missense variant.
Genome position (GRCh38, 1-based): chr15:45,110,665, G>A on the plus strand (C>T on the coding strand, the complement: DUOX2 is on the minus strand). VCF-style: chr15-45110665-G-A. GRCh37 (hg19) VCF-style: chr15-45402863-G-A.
Other names: c.928C>T, p.Leu310Phe (NM_014080.5); short protein forms L310F.
Identifiers: ClinVar variation 1523331 (VCV001523331.6), dbSNP rs2141156442, ClinGen allele CA392278234.
Genomic context (GRCh38, chr15:45,110,665, plus strand): 5'-CCTCAGGATTCTCCGCACAGGTGTCCTCCTTCCCCGCTCCCTCACCTGTATACTCCGGGA[G>A]TGTTTTCTGCAGGAAGCTGGGCAGCCACTCATACACAGCGATGTTCTGAGGGGCAGAGAG-3'
Protein context (NP_001350640.1, residues 300-320): EWLPSFLQKT[Leu310Phe]PEYTGYRPFL